The following is an entry in ClinVar:

NM_020774.4(MIB1):c.2415T>A (p.Ser805Arg)

Gene: MIB1 (MIB E3 ubiquitin protein ligase 1; plus strand). Cytogenetic location: 18q11.2.
Variant type: single nucleotide variant.
Coding change: c.2415T>A on transcript NM_020774.4 (MANE Select); coding-DNA position 2415, T replaced by A.
Protein change: p.Ser805Arg; replaces serine 805 with arginine.
Molecular consequence: missense variant.
Genome position (GRCh38, 1-based): chr18:21,849,217, T>A. VCF-style: chr18-21849217-T-A. GRCh37 (hg19) VCF-style: chr18-19429178-T-A.
Other names: short protein forms S805R.
Identifiers: ClinVar variation 4860031 (VCV004860031.1).

ClinVar aggregate classification (germline): Uncertain significance (1 of 4 stars; one submission).

Conditions:
Inborn genetic diseases. Identifiers: MedGen C0950123, MeSH D030342.

gnomAD v4.1: 4 of 1,568,824 alleles (0.00025%); highest among the groups gnomAD compares: South Asian, 0.0048%; no homozygotes.

Submission:

Ambry Genetics
Classification: Uncertain significance for Inborn genetic diseases. Last evaluated: 2026-05-28. Review status: criteria provided, single submitter. Criteria: Ambry Variant Classification Scheme 2023. Collection method: clinical testing. Allele origin: germline.
Comment: The p.S805R variant (also known as c.2415T>A), located in coding exon 17 of the MIB1 gene, results from a T to A substitution at nucleotide position 2415. The serine at codon 805 is replaced by arginine, an amino acid with dissimilar properties. This amino acid position is conserved. In addition, the in silico prediction for this alteration is inconclusive. Based on the available evidence, the clinical significance of this variant remains unclear.